The following is an entry in ClinVar:

NM_006231.4(POLE):c.4432T>A (p.Tyr1478Asn)

Gene: POLE (DNA polymerase epsilon, catalytic subunit; minus strand). Cytogenetic location: 12q24.33.
Variant type: single nucleotide variant.
Coding change: c.4432T>A on transcript NM_006231.4 (MANE Select); coding-DNA position 4432, T replaced by A.
Protein change: p.Tyr1478Asn; replaces tyrosine 1478 with asparagine.
Molecular consequence: missense variant.
Genome position (GRCh38, 1-based): chr12:132,643,419, A>T on the plus strand (T>A on the coding strand, the complement: POLE is on the minus strand). VCF-style: chr12-132643419-A-T. GRCh37 (hg19) VCF-style: chr12-133220005-A-T.
Other names: short protein forms Y1478N.
Identifiers: ClinVar variation 1740571 (VCV001740571.2), dbSNP rs2541891675, ClinGen allele CA387380949.

ClinVar aggregate classification (germline): Uncertain significance (1 of 4 stars; one submission).

Conditions:
Hereditary cancer-predisposing syndrome. Also called: Hereditary Cancer Syndrome; Hereditary neoplastic syndrome; Neoplastic Syndromes, Hereditary; Tumor predisposition. Identifiers: Orphanet 140162, MedGen C0027672, MeSH D009386, MONDO:0015356.

Submission:

Ambry Genetics
Classification: Uncertain significance for Hereditary cancer-predisposing syndrome. Last evaluated: 2021-07-23. Review status: criteria provided, single submitter. Criteria: Ambry Variant Classification Scheme 2023. Collection method: clinical testing. Allele origin: germline.
Comment: The p.Y1478N variant (also known as c.4432T>A), located in coding exon 34 of the POLE gene, results from a T to A substitution at nucleotide position 4432. The tyrosine at codon 1478 is replaced by asparagine, an amino acid with dissimilar properties. This amino acid position is conserved. In addition, the in silico prediction for this alteration is inconclusive. Since supporting evidence is limited at this time, the clinical significance of this alteration remains unclear.